The following is an entry in ClinVar:

NM_004336.5(BUB1):c.3036G>A (p.Glu1012=)

Gene: BUB1 (BUB1 mitotic checkpoint serine/threonine kinase; minus strand). Cytogenetic location: 2q13.
Variant type: single nucleotide variant.
Coding change: c.3036G>A on transcript NM_004336.5 (MANE Select); coding-DNA position 3036, G replaced by A.
Protein change: p.Glu1012=; no amino-acid change (glutamic acid 1012 retained).
Molecular consequence: synonymous variant.
Genome position (GRCh38, 1-based): chr2:110,639,768, C>T on the plus strand (G>A on the coding strand, the complement: BUB1 is on the minus strand). VCF-style: chr2-110639768-C-T. GRCh37 (hg19) VCF-style: chr2-111397345-C-T.
Other names: c.2976G>A, p.Glu992= (NM_001278616.2); c.2865G>A, p.Glu955= (NM_001278617.2).
Identifiers: ClinVar variation 712360 (VCV000712360.19), dbSNP rs55952031, ClinGen allele CA1827641.

ClinVar aggregate classification (germline): Benign/Likely benign. Review status: criteria provided, multiple submitters, no conflicts (2 of 4 stars). 5 submissions from 5 submitters: Benign (2); Likely benign (2). 1 of the submissions does not count toward it. Last evaluated 2026-03-01.

Conditions:
BUB1-related disorder. Also called: BUB1-related condition.

Allele frequency attached by ClinVar (database versions not stated): gnomAD exomes 0.00117; ExAC 0.00148; gnomAD 0.00428 and 0.00452; TOPMed 0.00442; ESP Exome Variant Server 0.00461; 1000 Genomes Project 0.00659; 1000 Genomes Project 30x 0.00765.
gnomAD v4.1: 1,178 of 1,613,828 alleles (0.073%); highest among the groups gnomAD compares: African/African-American, 1.4%; 10 homozygotes.

Submissions (9):

CeGaT Center for Human Genetics Tuebingen
Classification: Likely benign. Last evaluated: 2026-03-01. Review status: criteria provided, single submitter. Criteria: CeGaT Center For Human Genetics Tuebingen Variant Classification Criteria Version 2. Collection method: clinical testing. Allele origin: germline. Affected: yes. Observed: 2 variant alleles.
Comment: BUB1: BP4, BP7, BS1

Labcorp Genetics (formerly Invitae), Labcorp
Classification: Benign. Last evaluated: 2026-02-01. Review status: criteria provided, single submitter. Criteria: Invitae Variant Classification Sherloc (09022015). Collection method: clinical testing. Allele origin: germline.

Ambry Genetics
Classification: Likely benign. Last evaluated: 2022-02-12. Review status: criteria provided, single submitter. Criteria: Ambry Variant Classification Scheme 2023. Collection method: clinical testing. Allele origin: germline.

Breakthrough Genomics
Classification: Benign. Review status: criteria provided, single submitter. Criteria: ACMG Guidelines, 2015. Collection method: not provided. Allele origin: germline. Inheritance: Autosomal dominant inheritance. Affected: yes.

PreventionGenetics, part of Exact Sciences
Classification: Benign for BUB1-related condition. Last evaluated: 2019-11-26. Review status: no assertion criteria provided. Collection method: clinical testing. Allele origin: germline. Not counted in ClinVar's aggregate classification.
Comment: This variant is classified as benign based on ACMG/AMP sequence variant interpretation guidelines (Richards et al. 2015 PMID: 25741868, with internal and published modifications).

Dr. Peter K. Rogan Lab, Western University
No classification provided (evidence only). Condition: Melanoma. Review status: no classification provided. Collection method: in vitro. Allele origin: not applicable. Functional consequence: retained intron. Not counted in ClinVar's aggregate classification.

Dr. Peter K. Rogan Lab, Western University
No classification provided (evidence only). Condition: Uterine corpus endometrial carcinoma. Review status: no classification provided. Collection method: in vitro. Allele origin: not applicable. Functional consequence: retained intron. Not counted in ClinVar's aggregate classification.

Dr. Peter K. Rogan Lab, Western University
No classification provided (evidence only). Condition: Uterine corpus endometrial carcinoma. Review status: no classification provided. Collection method: in vitro. Allele origin: not applicable. Functional consequence: retained intron. Not counted in ClinVar's aggregate classification.

Dr. Peter K. Rogan Lab, Western University
No classification provided (evidence only). Condition: Uterine corpus endometrial carcinoma. Review status: no classification provided. Collection method: in vitro. Allele origin: not applicable. Functional consequence: retained intron. Not counted in ClinVar's aggregate classification.